The following is an entry in ClinVar:

NM_006384.4(CIB1):c.87-121G>T

Gene: CIB1 (calcium and integrin binding 1; minus strand). Cytogenetic location: 15q26.1.
Variant type: single nucleotide variant.
Coding change: c.87-121G>T on transcript NM_006384.4 (MANE Select); 121 bases into the intron before coding-DNA position 87, G replaced by T.
Molecular consequence: intron variant. On other transcripts: splice acceptor variant (1).
Genome position (GRCh38, 1-based): chr15:90,232,448, C>A on the plus strand (G>T on the coding strand, the complement: CIB1 is on the minus strand). VCF-style: chr15-90232448-C-A. GRCh37 (hg19) VCF-style: chr15-90775680-C-A.
Other names: c.87-1G>T (NM_001277764.2).
Identifiers: ClinVar variation 3685319 (VCV003685319.2).

ClinVar aggregate classification (germline): Likely pathogenic (1 of 4 stars; one submission).

Submission:

Labcorp Genetics (formerly Invitae), Labcorp
Classification: Likely pathogenic. Last evaluated: 2024-02-13. Review status: criteria provided, single submitter. Criteria: Invitae Variant Classification Sherloc (09022015). Collection method: clinical testing. Allele origin: germline.
Comment: This sequence change affects an acceptor splice site in intron 2 of the CIB1 gene. It is expected to disrupt RNA splicing. Variants that disrupt the donor or acceptor splice site typically lead to a loss of protein function (PMID: 16199547), and loss-of-function variants in CIB1 are known to be pathogenic (PMID: 30068544). This variant is not present in population databases (gnomAD no frequency). This variant has not been reported in the literature in individuals affected with CIB1-related conditions. Algorithms developed to predict the effect of sequence changes on RNA splicing suggest that this variant may create or strengthen a splice site. In summary, the currently available evidence indicates that the variant is pathogenic, but additional data are needed to prove that conclusively. Therefore, this variant has been classified as Likely Pathogenic.

Literature cited by the submitters: PubMed 16199547; PubMed 30068544.